The following is an entry in ClinVar:

ClinVar aggregate classification (germline): Uncertain significance (1 of 4 stars; one submission).

Submission:

Labcorp Genetics (formerly Invitae), Labcorp
Classification: Uncertain significance. Last evaluated: 2023-12-22. Review status: criteria provided, single submitter. Criteria: Invitae Variant Classification Sherloc (09022015). Collection method: clinical testing. Allele origin: germline.
Comment: This sequence change replaces proline, which is neutral and non-polar, with leucine, which is neutral and non-polar, at codon 65 of the ARID1A protein (p.Pro65Leu). This variant is not present in population databases (gnomAD no frequency). This variant has not been reported in the literature in individuals affected with ARID1A-related conditions. Advanced modeling of protein sequence and biophysical properties (such as structural, functional, and spatial information, amino acid conservation, physicochemical variation, residue mobility, and thermodynamic stability) performed at Invitae indicates that this missense variant is not expected to disrupt ARID1A protein function with a negative predictive value of 95%. In summary, the available evidence is currently insufficient to determine the role of this variant in disease. Therefore, it has been classified as a Variant of Uncertain Significance.

NM_006015.6(ARID1A):c.194C>T (p.Pro65Leu)

Gene: ARID1A (AT-rich interaction domain 1A; plus strand). Cytogenetic location: 1p36.11.
Variant type: single nucleotide variant.
Coding change: c.194C>T on transcript NM_006015.6 (MANE Select); coding-DNA position 194, C replaced by T.
Protein change: p.Pro65Leu; replaces proline 65 with leucine.
Molecular consequence: missense variant.
Genome position (GRCh38, 1-based): chr1:26,696,597, C>T. VCF-style: chr1-26696597-C-T. GRCh37 (hg19) VCF-style: chr1-27023088-C-T.
Other names: c.194C>T, p.Pro65Leu (NM_139135.4); short protein forms P65L.
Identifiers: ClinVar variation 2872520 (VCV002872520.3), dbSNP rs1368162353, ClinGen allele CA339264601.